The following is an entry in ClinVar:

NM_002691.4(POLD1):c.1022G>T (p.Gly341Val)

Gene: POLD1 (DNA polymerase delta 1, catalytic subunit; plus strand). Cytogenetic location: 19q13.33.
Variant type: single nucleotide variant.
Coding change: c.1022G>T on transcript NM_002691.4 (MANE Select); coding-DNA position 1022, G replaced by T.
Protein change: p.Gly341Val; replaces glycine 341 with valine.
Molecular consequence: missense variant. On other transcripts: non-coding transcript variant (1).
Genome position (GRCh38, 1-based): chr19:50,403,104, G>T. VCF-style: chr19-50403104-G-T. GRCh37 (hg19) VCF-style: chr19-50906361-G-T.
Other names: c.1022G>T, p.Gly341Val (NM_001256849.1, NM_001308632.1); c.1022G>T (NM_002691.2); short protein forms G341V.
Identifiers: ClinVar variation 1692700 (VCV001692700.8), dbSNP rs2038724006, ClinGen allele CA406978019.

ClinVar aggregate classification (germline): Uncertain significance. Review status: criteria provided, multiple submitters, no conflicts (2 of 4 stars). 3 submissions from 3 submitters: Uncertain significance (3). Last evaluated 2023-05-11.

Conditions:
POLD1-related polyposis and colorectal cancer syndrome (CRCS10). Also called: Colorectal cancer 10; COLORECTAL CANCER, SUSCEPTIBILITY TO, ON CHROMOSOME 19q; Colorectal cancer, susceptibility to, 10. Identifiers: Orphanet 220460, MedGen C2675481, MONDO:0012953, OMIM 612591.
Hereditary cancer-predisposing syndrome. Also called: Hereditary Cancer Syndrome; Hereditary neoplastic syndrome; Neoplastic Syndromes, Hereditary; Tumor predisposition. Identifiers: Orphanet 140162, MedGen C0027672, MeSH D009386, MONDO:0015356.

Allele frequency attached by ClinVar (database versions not stated): TOPMed 0.00001.

Submissions (3):

Ambry Genetics
Classification: Uncertain significance for Hereditary cancer-predisposing syndrome. Last evaluated: 2023-05-11. Review status: criteria provided, single submitter. Criteria: Ambry Variant Classification Scheme 2023. Collection method: clinical testing. Allele origin: germline.
Comment: The p.G341V variant (also known as c.1022G>T), located in coding exon 8 of the POLD1 gene, results from a G to T substitution at nucleotide position 1022. The glycine at codon 341 is replaced by valine, an amino acid with dissimilar properties. This amino acid position is conserved. In addition, this alteration is predicted to be tolerated by in silico analysis. Since supporting evidence is limited at this time, the clinical significance of this alteration remains unclear.

Labcorp Genetics (formerly Invitae), Labcorp
Classification: Uncertain significance for POLD1-related polyposis and colorectal cancer syndrome. Last evaluated: 2022-10-25. Review status: criteria provided, single submitter. Criteria: Invitae Variant Classification Sherloc (09022015). Collection method: clinical testing. Allele origin: germline.
Comment: This sequence change replaces glycine, which is neutral and non-polar, with valine, which is neutral and non-polar, at codon 341 of the POLD1 protein (p.Gly341Val). In summary, the available evidence is currently insufficient to determine the role of this variant in disease. Therefore, it has been classified as a Variant of Uncertain Significance. Advanced modeling of protein sequence and biophysical properties (such as structural, functional, and spatial information, amino acid conservation, physicochemical variation, residue mobility, and thermodynamic stability) performed at Invitae indicates that this missense variant is not expected to disrupt POLD1 protein function. ClinVar contains an entry for this variant (Variation ID: 1692700). This variant has not been reported in the literature in individuals affected with POLD1-related conditions. This variant is not present in population databases (gnomAD no frequency).

Sema4
Classification: Uncertain significance for Hereditary cancer-predisposing syndrome. Last evaluated: 2021-07-15. Review status: criteria provided, single submitter. Criteria: Sema4 Curation Guidelines. Collection method: curation. Allele origin: germline.
Comment: The POLD1 c.1022G>T (p.G341V) variant has not been reported in the literature to our knowledge. It was not observed in the large and broad cohorts of the Genome Aggregation Database (PMID: 32461654). The variant has not been reported in ClinVar. In silico tools suggest the impact of the variant on protein function is benign, though these predictions have not been confirmed by functional studies. The evidence is insufficient to meet ACMG/AMP criteria for classifying the variant as benign or pathogenic. Thus, the clinical significance of this variant is currently uncertain.